The following is an entry in ClinVar:

ClinVar aggregate classification (germline): Benign/Likely benign. Review status: criteria provided, multiple submitters, no conflicts (2 of 4 stars). 8 submissions from 8 submitters: Benign (2); Likely benign (2). 4 of the submissions do not count toward it. Last evaluated 2026-09-01.

Conditions:
DNMT3B-related disorder. Also called: DNMT3B-related condition.
Immunodeficiency-centromeric instability-facial anomalies syndrome 1 (ICF1). Identifiers: Orphanet 2268, MedGen C4551557, MONDO:0009454, OMIM 242860.
Centromeric instability of chromosomes 1,9 and 16 and immunodeficiency (ICF1). Also called: Immunodeficiency-centromeric instability-facial anomalies; CENTROMERIC INSTABILITY, IMMUNODEFICIENCY SYNDROME; IMMUNE DEFICIENCY, VARIABLE, WITH CENTROMERIC INSTABILITY OF CHROMOSOMES 1, 9, AND 16; IMMUNODEFICIENCY SYNDROME, VARIABLE. Identifiers: Orphanet 2268, MedGen C0398788, MONDO:0000133.

Allele frequency attached by ClinVar (database versions not stated): 1000 Genomes Project 30x 0.00141; 1000 Genomes Project 0.00160; TOPMed 0.00424.
gnomAD v4.1: 6,364 of 1,614,126 alleles (0.39%); highest among the groups gnomAD compares: Middle Eastern, 0.89%; 100 homozygotes.

Submissions (8):

CeGaT Center for Human Genetics Tuebingen
Classification: Likely benign. Last evaluated: 2026-09-01. Review status: criteria provided, single submitter. Criteria: CeGaT Center For Human Genetics Tuebingen Variant Classification Criteria Version 2. Collection method: clinical testing. Allele origin: germline. Affected: yes. Observed: 11 variant alleles.
Comment: DNMT3B: BP4, BS2

Labcorp Genetics (formerly Invitae), Labcorp
Classification: Benign for Centromeric instability of chromosomes 1,9 and 16 and immunodeficiency. Last evaluated: 2026-02-02. Review status: criteria provided, single submitter. Criteria: Invitae Variant Classification Sherloc (09022015). Collection method: clinical testing. Allele origin: germline.

ARUP Laboratories, Molecular Genetics and Genomics, ARUP Laboratories
Classification: Benign. Last evaluated: 2024-01-29. Review status: criteria provided, single submitter. Criteria: ARUP Molecular Germline Variant Investigation Process 2024. Collection method: clinical testing. Allele origin: germline.

Illumina Laboratory Services, Illumina
Classification: Likely benign for Immunodeficiency-centromeric instability-facial anomalies syndrome 1. Last evaluated: 2018-01-13. Review status: criteria provided, single submitter. Criteria: ICSL Variant Classification Criteria 13 December 2019. Collection method: clinical testing. Allele origin: germline.
Comment: This variant was observed in the ICSL laboratory as part of a predisposition screen in an ostensibly healthy population. It had not been previously curated by ICSL or reported in the Human Gene Mutation Database (HGMD: prior to June 1st, 2018), and was therefore a candidate for classification through an automated scoring system. Utilizing variant allele frequency, disease prevalence and penetrance estimates, and inheritance mode, an automated score was calculated to assess if this variant is too frequent to cause the disease. Based on the score and internal cut-off values, a variant classified as likely benign is not then subjected to further curation. The score for this variant resulted in a classification of likely benign for this disease.

PreventionGenetics, part of Exact Sciences
Classification: Benign for DNMT3B-related condition. Last evaluated: 2019-07-03. Review status: no assertion criteria provided. Collection method: clinical testing. Allele origin: germline. Not counted in ClinVar's aggregate classification.
Comment: This variant is classified as benign based on ACMG/AMP sequence variant interpretation guidelines (Richards et al. 2015 PMID: 25741868, with internal and published modifications).

Clinical Genetics DNA and cytogenetics Diagnostics Lab, Erasmus MC, Erasmus Medical Center
Classification: Likely benign. Review status: no assertion criteria provided. Collection method: clinical testing. Allele origin: germline. Affected: yes. Study: VKGL Data-share Consensus. Not counted in ClinVar's aggregate classification.

Genome Diagnostics Laboratory, University Medical Center Utrecht
Classification: Benign. Review status: no assertion criteria provided. Collection method: clinical testing. Allele origin: germline. Affected: yes. Study: VKGL Data-share Consensus. Not counted in ClinVar's aggregate classification.

Laboratory of Diagnostic Genome Analysis, Leiden University Medical Center (LUMC)
Classification: Likely benign. Review status: no assertion criteria provided. Collection method: clinical testing. Allele origin: germline. Affected: yes. Study: VKGL Data-share Consensus. Not counted in ClinVar's aggregate classification.

NM_006892.4(DNMT3B):c.1760-8C>T

Gene: DNMT3B (DNA methyltransferase 3 beta; plus strand). Cytogenetic location: 20q11.21.
Variant type: single nucleotide variant.
Coding change: c.1760-8C>T on transcript NM_006892.4 (MANE Select); 8 bases into the intron before coding-DNA position 1760, C replaced by T.
Molecular consequence: intron variant.
Genome position (GRCh38, 1-based): chr20:32,800,145, C>T. VCF-style: chr20-32800145-C-T. GRCh37 (hg19) VCF-style: chr20-31387951-C-T.
Other names: c.1700-8C>T (NM_175848.2, NM_175849.2); c.1574-8C>T (NM_001207055.2); c.1472-8C>T (NM_001207056.2); c.1736-8C>T (NM_175850.3).
Identifiers: ClinVar variation 338174 (VCV000338174.66), dbSNP rs2424926, ClinGen allele CA9810707.
Genomic context (GRCh38, chr20:32,800,145, plus strand): 5'-GAGTGGAGGAAATGAGCTGCTGTGTGCTCAGCATCATTTATGCTTCTGTGTCTCTCTGGC[C>T]CCCACAGGCTACCTAGTCCTCAAAGAGTTGGGCATAAAGGTAGGAAAGTACGTCGCTTCT-3'